The following is an entry in ClinVar:

NM_002439.5(MSH3):c.755G>C (p.Cys252Ser)

Gene: MSH3 (mutS homolog 3; plus strand). Cytogenetic location: 5q14.1.
Variant type: single nucleotide variant.
Coding change: c.755G>C on transcript NM_002439.5 (MANE Select); coding-DNA position 755, G replaced by C.
Protein change: p.Cys252Ser; replaces cysteine 252 with serine.
Molecular consequence: missense variant.
Genome position (GRCh38, 1-based): chr5:80,670,272, G>C. VCF-style: chr5-80670272-G-C. GRCh37 (hg19) VCF-style: chr5-79966091-G-C.
Other names: short protein forms C252S.
Identifiers: ClinVar variation 1759519 (VCV001759519.2), dbSNP rs1580550371, ClinGen allele CA360266950.
Genomic context (GRCh38, chr5:80,670,272, plus strand): 5'-TAGAATTACAATACATAGAAATGAAGCAGCAGCACAAAGATGCAGTTTTGTGTGTGGAAT[G>C]TGGATATAAGTATAGATTCTTTGGGGAAGATGCAGAGGTAAGTCGTCTTTTCAGGCACTA-3'
Protein context (NP_002430.3, residues 242-262): QHKDAVLCVE[Cys252Ser]GYKYRFFGED

ClinVar aggregate classification (germline): Uncertain significance (1 of 4 stars; one submission).

Conditions:
Hereditary cancer-predisposing syndrome. Also called: Neoplastic Syndromes, Hereditary; Tumor predisposition; Hereditary Cancer Syndrome; Hereditary neoplastic syndrome. Identifiers: Orphanet 140162, MedGen C0027672, MeSH D009386, MONDO:0015356.

Submission:

Ambry Genetics
Classification: Uncertain significance for Hereditary cancer-predisposing syndrome. Last evaluated: 2022-06-11. Review status: criteria provided, single submitter. Criteria: Ambry Variant Classification Scheme 2023. Collection method: clinical testing. Allele origin: germline.
Comment: The p.C252S variant (also known as c.755G>C), located in coding exon 4 of the MSH3 gene, results from a G to C substitution at nucleotide position 755. The cysteine at codon 252 is replaced by serine, an amino acid with dissimilar properties. This amino acid position is conserved. In addition, this alteration is predicted to be deleterious by in silico analysis. Since supporting evidence is limited at this time, the clinical significance of this alteration remains unclear.